The following is an entry in ClinVar:

ClinVar aggregate classification (germline): Uncertain significance. Review status: criteria provided, multiple submitters, no conflicts (2 of 4 stars). 3 submissions from 3 submitters: Uncertain significance (3). Last evaluated 2025-10-28.

Conditions:
Hereditary cancer-predisposing syndrome. Also called: Tumor predisposition; Hereditary Cancer Syndrome; Hereditary neoplastic syndrome; Neoplastic Syndromes, Hereditary. Identifiers: Orphanet 140162, MedGen C0027672, MeSH D009386, MONDO:0015356.
Familial adenomatous polyposis 1 (FAP1). Also called: FAMILIAL ADENOMATOUS POLYPOSIS 1, ATTENUATED; POLYPOSIS, ADENOMATOUS INTESTINAL. Identifiers: MedGen C2713442, MONDO:0021056, OMIM 175100. Disease mechanism: loss of function.

gnomAD v4.1: 1 of 1,614,166 alleles (0.000062%); no homozygotes.

Submissions (3):

Color Diagnostics, LLC DBA Color Health
Classification: Uncertain significance for Hereditary cancer-predisposing syndrome. Last evaluated: 2025-10-28. Review status: criteria provided, single submitter. Criteria: ACMG Guidelines, 2015. Collection method: clinical testing. Allele origin: germline.
Comment: This missense variant replaces serine with leucine at codon 1213 of the APC protein. Computational prediction suggests that this variant may not impact protein structure and function. APC is defined as a gene for which primarily truncating variants are known to cause disease (ClinGen HCCP VCEP). To our knowledge, functional studies have not been reported for this variant. This variant has not been reported in individuals affected with APC-related disorders in the literature. This variant has been identified in 1/1461862 chromosomes in the general population by the Genome Aggregation Database (gnomAD). The available evidence is insufficient to determine the role of this variant in disease conclusively. Therefore, this variant is classified as a Variant of Uncertain Significance.

Ambry Genetics
Classification: Uncertain significance for Hereditary cancer-predisposing syndrome. Last evaluated: 2025-09-14. Review status: criteria provided, single submitter. Criteria: Ambry Variant Classification Scheme 2023. Collection method: clinical testing. Allele origin: germline.
Comment: The p.S1213L variant (also known as c.3638C>T), located in coding exon 15 of the APC gene, results from a C to T substitution at nucleotide position 3638. The serine at codon 1213 is replaced by leucine, an amino acid with dissimilar properties. This amino acid position is not well conserved in available vertebrate species. In addition, in silico predictors for this gene do not accurately predict pathogenicity. Since supporting evidence is limited at this time, the clinical significance of this alteration remains unclear.

Labcorp Genetics (formerly Invitae), Labcorp
Classification: Uncertain significance for Familial adenomatous polyposis 1. Last evaluated: 2024-10-02. Review status: criteria provided, single submitter. Criteria: Invitae Variant Classification Sherloc (09022015). Collection method: clinical testing. Allele origin: germline.
Comment: This sequence change replaces serine, which is neutral and polar, with leucine, which is neutral and non-polar, at codon 1213 of the APC protein (p.Ser1213Leu). This variant is not present in population databases (gnomAD no frequency). This variant has not been reported in the literature in individuals affected with APC-related conditions. ClinVar contains an entry for this variant (Variation ID: 537453). Invitae Evidence Modeling of protein sequence and biophysical properties (such as structural, functional, and spatial information, amino acid conservation, physicochemical variation, residue mobility, and thermodynamic stability) indicates that this missense variant is not expected to disrupt APC protein function with a negative predictive value of 95%. In summary, the available evidence is currently insufficient to determine the role of this variant in disease. Therefore, it has been classified as a Variant of Uncertain Significance.

NM_000038.6(APC):c.3638C>T (p.Ser1213Leu)

Gene: APC (APC regulator of Wnt signaling pathway; plus strand). Cytogenetic location: 5q22.2.
Variant type: single nucleotide variant.
Coding change: c.3638C>T on transcript NM_000038.6 (MANE Select); coding-DNA position 3638, C replaced by T.
Protein change: p.Ser1213Leu; replaces serine 1213 with leucine.
Molecular consequence: missense variant.
Genome position (GRCh38, 1-based): chr5:112,839,232, C>T. VCF-style: chr5-112839232-C-T. GRCh37 (hg19) VCF-style: chr5-112174929-C-T.
Other names: c.3638C>T, p.Ser1213Leu (NM_001127510.3, NM_001354895.2); c.3584C>T, p.Ser1195Leu (NM_001127511.3); c.3692C>T, p.Ser1231Leu (NM_001354896.2); c.3668C>T, p.Ser1223Leu (NM_001354897.2); c.3563C>T, p.Ser1188Leu (NM_001354898.2); c.3554C>T, p.Ser1185Leu (NM_001354899.2); c.3515C>T, p.Ser1172Leu (NM_001354900.2); c.3461C>T, p.Ser1154Leu (NM_001354901.2); and 5 more; short protein forms S1195L, S1213L, S1112L, S1122L, S1231L, S930L, S1053L, S1087L.
Identifiers: ClinVar variation 537453 (VCV000537453.17), dbSNP rs1554085199, ClinGen allele CA16029323.